The following is an entry in ClinVar:

NM_001197104.2(KMT2A):c.2363C>T (p.Ala788Val)

Gene: KMT2A (lysine methyltransferase 2A; plus strand). Cytogenetic location: 11q23.3.
Variant type: single nucleotide variant.
Coding change: c.2363C>T on transcript NM_001197104.2 (MANE Select); coding-DNA position 2363, C replaced by T.
Protein change: p.Ala788Val; replaces alanine 788 with valine.
Molecular consequence: missense variant.
Genome position (GRCh38, 1-based): chr11:118,473,522, C>T. VCF-style: chr11-118473522-C-T. GRCh37 (hg19) VCF-style: chr11-118344237-C-T.
Other names: c.2462C>T, p.Ala821Val (NM_001412597.1); c.2363C>T, p.Ala788Val (NM_005933.4); short protein forms A788V, A821V.
Identifiers: ClinVar variation 1971845 (VCV001971845.5), dbSNP rs372232178, ClinGen allele CA6303507.
Genomic context (GRCh38, chr11:118,473,522, plus strand): 5'-CACCTCTCACCCCCCCGTCTTCTGTCTCTTCCTCGTTAAGCATTTCTGTTAGTCCTCTTG[C>T]CACTAGTGCCTTAAACCCAACTTTTACTTTTCCTTCTCATTCCCTGACTCAGTCTGGGGA-3'
Protein context (NP_001184033.1, residues 778-798): SSLSISVSPL[Ala788Val]TSALNPTFTF

ClinVar aggregate classification (germline): Uncertain significance (1 of 4 stars; one submission).

Allele frequency attached by ClinVar (database versions not stated): ExAC 0.00001; ESP Exome Variant Server 0.00008; gnomAD exomes below 0.00001.
gnomAD v4.1: 7 of 1,614,150 alleles (0.00043%); highest among the groups gnomAD compares: Non-Finnish European, 0.00059%; no homozygotes.

Submission:

Labcorp Genetics (formerly Invitae), Labcorp
Classification: Uncertain significance. Last evaluated: 2025-07-02. Review status: criteria provided, single submitter. Criteria: Invitae Variant Classification Sherloc (09022015). Collection method: clinical testing. Allele origin: germline.
Comment: This sequence change replaces alanine, which is neutral and non-polar, with valine, which is neutral and non-polar, at codon 788 of the KMT2A protein (p.Ala788Val). This variant is present in population databases (rs372232178, gnomAD 0.002%). This variant has not been reported in the literature in individuals affected with KMT2A-related conditions. ClinVar contains an entry for this variant (Variation ID: 1971845). Invitae Evidence Modeling of protein sequence and biophysical properties (such as structural, functional, and spatial information, amino acid conservation, physicochemical variation, residue mobility, and thermodynamic stability) has been performed for this missense variant. However, the output from this modeling did not meet the statistical confidence thresholds required to predict the impact of this variant on KMT2A protein function. In summary, the available evidence is currently insufficient to determine the role of this variant in disease. Therefore, it has been classified as a Variant of Uncertain Significance.